The following is an entry in ClinVar:

ClinVar aggregate classification (germline): Conflicting classifications of pathogenicity. Review status: criteria provided, conflicting classifications (1 of 4 stars). 5 submissions from 5 submitters: Uncertain significance (4); Likely benign (1). Last evaluated 2025-05-19.

Conditions:
Cardiovascular phenotype. Identifiers: MedGen CN230736.
Familial hypobetalipoproteinemia 1. Also called: Hypobetalipoproteinemia, normotriglyceridemic; Acanthocytosis with hypobetalipoproteinemia; APOB-Related Familial Hypobetalipoproteinemia. Identifiers: MedGen C4551990, MONDO:0014252, OMIM 615558.
Hypercholesterolemia, autosomal dominant, type B (FHCL2). Also called: Familial Hypercholesterolemia Type B; APOLIPOPROTEIN B-100, FAMILIAL DEFECTIVE; APOLIPOPROTEIN B-100, FAMILIAL LIGAND-DEFECTIVE; Familial hypercholesterolemia 2; HYPERCHOLESTEROLEMIA, FAMILIAL, DUE TO LIGAND-DEFECTIVE APOLIPOPROTEIN B; APOB-Related Familial Hypercholesterolemia, Autosomal Dominant. Identifiers: MedGen C1704417, MONDO:0007751, OMIM 144010.

Allele frequency attached by ClinVar (database versions not stated): gnomAD 0.00001; gnomAD exomes 0.00002 and 0.00003; TOPMed 0.00002; ExAC 0.00004.
gnomAD v4.1: 30 of 1,609,474 alleles (0.0019%); highest among the groups gnomAD compares: Admixed American, 0.0033%; no homozygotes.

Submissions (5):

Quest Diagnostics Nichols Institute San Juan Capistrano
Classification: Uncertain significance. Last evaluated: 2025-05-19. Review status: criteria provided, single submitter. Criteria: Quest Diagnostics criteria. Collection method: clinical testing. Allele origin: unknown.
Comment: The APOB c.12635C>G (p.Thr4212Ser) variant has been reported in the published literature in an individual with normal cholesterol levels who also carried an APOB truncating variant (PMID: 31974413 (2020)). The frequency of this variant in the general population (Genome Aggregation Database) is uninformative in the assessment of its pathogenicity. Analysis of this variant using bioinformatics tools for the prediction of the effect of amino acid changes on protein structure and function yielded predictions that this variant is benign. Based on the available information, we are unable to determine the clinical significance of this variant.

Ambry Genetics
Classification: Uncertain significance for Cardiovascular phenotype. Last evaluated: 2024-12-28. Review status: criteria provided, single submitter. Criteria: Ambry Variant Classification Scheme 2023. Collection method: clinical testing. Allele origin: germline.
Comment: The p.T4212S variant (also known as c.12635C>G), located in coding exon 29 of the APOB gene, results from a C to G substitution at nucleotide position 12635. The threonine at codon 4212 is replaced by serine, an amino acid with similar properties. This amino acid position is conserved. In addition, this alteration is predicted to be tolerated by in silico analysis. Since supporting evidence is limited at this time, the clinical significance of this alteration remains unclear.

Labcorp Genetics (formerly Invitae), Labcorp
Classification: Likely benign for Familial hypobetalipoproteinemia 1; Hypercholesterolemia, autosomal dominant, type B. Last evaluated: 2024-07-01. Review status: criteria provided, single submitter. Criteria: Invitae Variant Classification Sherloc (09022015). Collection method: clinical testing. Allele origin: germline.

Blueprint Genetics
Classification: Uncertain significance. Last evaluated: 2023-05-19. Review status: criteria provided, single submitter. Criteria: ACMG Guidelines, 2015. Collection method: clinical testing. Allele origin: germline.

Fulgent Genetics
Classification: Uncertain significance for Hypercholesterolemia, autosomal dominant, type B; Familial hypobetalipoproteinemia 1. Last evaluated: 2021-11-01. Review status: criteria provided, single submitter. Criteria: ACMG Guidelines, 2015. Collection method: clinical testing. Allele origin: unknown.

Literature cited by the submitters: PubMed 31974413 (cited by Quest Diagnostics Nichols Institute San Juan Capistrano).

NM_000384.3(APOB):c.12635C>G (p.Thr4212Ser)

Gene: APOB (apolipoprotein B; minus strand). Cytogenetic location: 2p24.1.
Variant type: single nucleotide variant.
Coding change: c.12635C>G on transcript NM_000384.3 (MANE Select); coding-DNA position 12635, C replaced by G.
Protein change: p.Thr4212Ser; replaces threonine 4212 with serine.
Molecular consequence: missense variant.
Genome position (GRCh38, 1-based): chr2:21,002,787, G>C on the plus strand (C>G on the coding strand, the complement: APOB is on the minus strand). VCF-style: chr2-21002787-G-C. GRCh37 (hg19) VCF-style: chr2-21225659-G-C.
Other names: short protein forms T4212S.
Identifiers: ClinVar variation 1404457 (VCV001404457.12), dbSNP rs201208445, ClinGen allele CA050732.